The following is an entry in ClinVar:

NM_003743.5(NCOA1):c.1952A>T (p.Asp651Val)

Gene: NCOA1 (nuclear receptor coactivator 1; plus strand). Cytogenetic location: 2p23.3.
Variant type: single nucleotide variant.
Coding change: c.1952A>T on transcript NM_003743.5 (MANE Select); coding-DNA position 1952, A replaced by T.
Protein change: p.Asp651Val; replaces aspartic acid 651 with valine.
Molecular consequence: missense variant.
Genome position (GRCh38, 1-based): chr2:24,707,422, A>T. VCF-style: chr2-24707422-A-T. GRCh37 (hg19) VCF-style: chr2-24930291-A-T.
Other names: c.1952A>T, p.Asp651Val (NM_001362950.1, NM_001362952.1, NM_001362954.1 and 3 more transcripts); short protein forms D651V.
Identifiers: ClinVar variation 4990740 (VCV004990740.1).
Genomic context (GRCh38, chr2:24,707,422, plus strand): 5'-ACAAACTAGTGCAGCTTTTGACAACAACTGCCGAACAGCAGTTACGGCATGCTGATATAG[A>T]CACAAGCTGCAAAGATGTCCTGTCTTGCACAGGCACTTCCAACTCTGCCTCTGCTAACTC-3'
Protein context (NP_003734.3, residues 641-661): AEQQLRHADI[Asp651Val]TSCKDVLSCT

ClinVar aggregate classification (germline): Uncertain significance (1 of 4 stars; one submission).

Conditions:
NCOA1-related disorder. Also called: NCOA1-related condition.

gnomAD v4.1: 2 of 1,614,098 alleles (0.00012%); highest among the groups gnomAD compares: African/African-American, 0.0027%; no homozygotes.

Submission:

PreventionGenetics, part of Exact Sciences
Classification: Uncertain significance for NCOA1-related condition. Last evaluated: 2026-08-06. Review status: criteria provided, single submitter. Criteria: ACMG Guidelines, 2015. Collection method: clinical testing. Allele origin: germline.
Comment: The NCOA1 c.1952A>T variant is predicted to result in the amino acid substitution p.Asp651Val. To our knowledge, this variant has not been reported in the literature. This variant is reported in 0.023% of alleles in individuals of African descent in gnomAD. At this time, the clinical significance of this variant is uncertain due to the absence of conclusive functional and genetic evidence.